The following is an entry in ClinVar:

NM_198695.2(KRTAP10-8):c.752G>A (p.Arg251His)

Genes: KRTAP10-8 (keratin associated protein 10-8; plus strand), TSPEAR (thrombospondin type laminin G domain and EAR repeats; minus strand). Cytogenetic location: 21q22.3.
Variant type: single nucleotide variant.
Coding change: c.752G>A on transcript NM_198695.2 (MANE Select); coding-DNA position 752, G replaced by A.
Protein change: p.Arg251His; replaces arginine 251 with histidine.
Molecular consequence: missense variant. On other transcripts: intron variant (2).
Genome position (GRCh38, 1-based): chr21:44,612,852, G>A. VCF-style: chr21-44612852-G-A. GRCh37 (hg19) VCF-style: chr21-46032769-G-A.
Other names: c.83-44847C>T (NM_144991.3); c.-122-44847C>T (NM_001272037.2); short protein forms R251H.
Identifiers: ClinVar variation 3024867 (VCV003024867.22), dbSNP rs150190426, ClinGen allele CA10059964.

ClinVar aggregate classification (germline): Benign (1 of 4 stars; one submission).

Allele frequency attached by ClinVar (database versions not stated): 1000 Genomes Project 0.00379; 1000 Genomes Project 30x 0.00422; TOPMed 0.00618; ESP Exome Variant Server 0.00708; gnomAD 0.00726; ExAC 0.00816; gnomAD exomes 0.00996.
gnomAD v4.1: 15,551 of 1,612,230 alleles (0.96%); highest among the groups gnomAD compares: Non-Finnish European, 1.1%; 119 homozygotes.

Submission:

CeGaT Center for Human Genetics Tuebingen
Classification: Benign. Last evaluated: 2025-05-01. Review status: criteria provided, single submitter. Criteria: CeGaT Center For Human Genetics Tuebingen Variant Classification Criteria Version 2. Collection method: clinical testing. Allele origin: germline. Affected: yes. Observed: 2 variant alleles.
Comment: KRTAP10-8: BP4, BS1, BS2